The following is an entry in ClinVar:

NM_177438.3(DICER1):c.2641_2643dup (p.Leu881_Asn882insLeu)

Gene: DICER1 (dicer 1, ribonuclease III; minus strand). Cytogenetic location: 14q32.13.
Variant type: Duplication.
Coding change: c.2641_2643dup on transcript NM_177438.3 (MANE Select); coding-DNA positions 2641 to 2643, 3 bases duplicated (CTT; older notation c.2641_2643dupCTT).
Protein change: p.Leu881_Asn882insLeu.
Molecular consequence: non-coding transcript variant (on NR_172715.1). On other transcripts: inframe indel (1).
Genome position (GRCh38, 1-based): chr14:95,107,887-95,107,889, AAG duplicated on the plus strand (CTT on the coding strand, the reverse complement: DICER1 is on the minus strand); duplicating any 3 consecutive bases within chr14:95,107,887-95,107,890 gives the same sequence; the c. name uses the placement nearest the transcript's 3' end. VCF-style (leftmost placement, unchanged base first): chr14-95107886-T-TAAG. GRCh37 (hg19) VCF-style: chr14-95574223-T-TAAG.
Other names: c.2641_2643dup, p.Leu881_Asn882insLeu (NM_001195573.1, NM_001271282.3, NM_001291628.2 and 12 more transcripts); c.2359_2361dup, p.Leu787_Asn788insLeu (NM_001395686.1); c.2236_2238dup, p.Leu746_Asn747insLeu (NM_001395687.1, NM_001395688.1, NM_001395689.1 and 2 more transcripts); c.2074_2076dup, p.Leu692_Asn693insLeu (NM_001395691.1); c.958_960dup, p.Leu320_Asn321insLeu (NM_001395697.1); c.2641_2643dupCTT (NM_177438.2).
Identifiers: ClinVar variation 3501876 (VCV003501876.1).

ClinVar aggregate classification (germline): Uncertain significance (1 of 4 stars; one submission).

Conditions:
Hereditary cancer-predisposing syndrome. Also called: Tumor predisposition; Neoplastic Syndromes, Hereditary; Hereditary Cancer Syndrome; Hereditary neoplastic syndrome. Identifiers: Orphanet 140162, MedGen C0027672, MeSH D009386, MONDO:0015356.

Submission:

Ambry Genetics
Classification: Uncertain significance for Hereditary cancer-predisposing syndrome. Last evaluated: 2024-08-29. Review status: criteria provided, single submitter. Criteria: Ambry Variant Classification Scheme 2023. Collection method: clinical testing. Allele origin: germline.
Comment: The c.2641_2643dupCTT variant (also known as p.L881dup), located in coding exon 15 of the DICER1 gene, results from an in-frame duplication of CTT at nucleotide positions 2641 to 2643. This results in the duplication of an extra residue between codons 881 and 882. This amino acid position is highly conserved in available vertebrate species. In addition, the in silico prediction for this alteration is inconclusive (Choi Y et al. PLoS ONE. 2012; 7(10):e46688). Based on the available evidence, the clinical significance of this variant remains unclear.